The following is an entry in ClinVar:

NM_000091.5(COL4A3):c.988G>C (p.Gly330Arg)

Genes: COL4A3 (collagen type IV alpha 3 chain; plus strand), MFF-DT (MFF divergent transcript; minus strand). Cytogenetic location: 2q36.3.
Variant type: single nucleotide variant.
Coding change: c.988G>C on transcript NM_000091.5 (MANE Select); coding-DNA position 988, G replaced by C.
Protein change: p.Gly330Arg; replaces glycine 330 with arginine.
Molecular consequence: missense variant.
Genome position (GRCh38, 1-based): chr2:227,257,603, G>C. VCF-style: chr2-227257603-G-C. GRCh37 (hg19) VCF-style: chr2-228122319-G-C.
Other names: p.(Gly330Arg); short protein forms G330R.
Identifiers: ClinVar variation 2782874 (VCV002782874.4), dbSNP rs1435232414, ClinGen allele CA350867455.

ClinVar aggregate classification (germline): Conflicting classifications of pathogenicity. Review status: criteria provided, conflicting classifications (1 of 4 stars). 2 submissions from 2 submitters: Likely pathogenic (1); Uncertain significance (1). Last evaluated 2026-03-20.

Conditions:
Autosomal dominant Alport syndrome (ATS3A). Also called: Alport syndrome dominant type; Renal failure and sensorineural hearing loss; ALPORT SYNDROME 3A, AUTOSOMAL DOMINANT. Identifiers: Orphanet 63, Orphanet 88918, MedGen C5882663, MONDO:0007086, OMIM 104200.

Allele frequency attached by ClinVar (database versions not stated): gnomAD exomes below 0.00001.
gnomAD v4.1: 2 of 1,613,550 alleles (0.00012%); highest among the groups gnomAD compares: Admixed American, 0.0033%; no homozygotes.

Submissions (2):

Centre de Génétique Humaine, Institut de Pathologie Et de Génétique
Classification: Likely pathogenic for Autosomal dominant Alport syndrome. Last evaluated: 2026-03-20. Review status: criteria provided, single submitter. Criteria: ACMG Guidelines, 2015. Collection method: clinical testing. Allele origin: germline, maternal, paternal. Inheritance: Autosomal dominant inheritance. Affected: yes. Observed: 3 variant alleles, 1 heterozygote, 2 compound heterozygotes. Clinical features observed: Microscopic hematuria (HP:0002907), Proteinuria (HP:0000093), Stage 2 chronic kidney disease (HP:0012624), Stage 5 chronic kidney disease (HP:0003774), Sensorineural hearing loss disorder (HP:0000407). Segregation with disease observed.
Comment: This missense variant involves a highly conserved glycine located in a ‘Gly-X-Y’ motif in collagenous region, which is characteristic of the pathogenic variants identified in the COL4A3 gene (PM1,PP2). Variant adjacent to splice site.This variant is rare: allelic frequency of 0.00012% in gnomAD v4.1.0 database (PM2); In silico analysis supports that this missense variant has a deleterious effect as missense and a possible alteration of the consensus splice site (PP3).

Labcorp Genetics (formerly Invitae), Labcorp
Classification: Uncertain significance. Last evaluated: 2024-06-26. Review status: criteria provided, single submitter. Criteria: Invitae Variant Classification Sherloc (09022015). Collection method: clinical testing. Allele origin: germline.
Comment: This sequence change replaces glycine, which is neutral and non-polar, with arginine, which is basic and polar, at codon 330 of the COL4A3 protein (p.Gly330Arg). This variant is present in population databases (no rsID available, gnomAD 0.006%). This variant has not been reported in the literature in individuals affected with COL4A3-related conditions. An algorithm developed to predict the effect of missense changes on protein structure and function (PolyPhen-2) suggests that this variant is likely to be disruptive. Algorithms developed to predict the effect of sequence changes on RNA splicing suggest that this variant may disrupt the consensus splice site. In summary, the available evidence is currently insufficient to determine the role of this variant in disease. Therefore, it has been classified as a Variant of Uncertain Significance.